The following is an entry in ClinVar:

NM_024301.5(FKRP):c.1348G>A (p.Val450Met)

Gene: FKRP (fukutin related protein; plus strand). Cytogenetic location: 19q13.32.
Variant type: single nucleotide variant.
Coding change: c.1348G>A on transcript NM_024301.5 (MANE Select); coding-DNA position 1348, G replaced by A.
Protein change: p.Val450Met; replaces valine 450 with methionine.
Molecular consequence: missense variant.
Genome position (GRCh38, 1-based): chr19:46,756,798, G>A. VCF-style: chr19-46756798-G-A. GRCh37 (hg19) VCF-style: chr19-47260055-G-A.
Other names: c.1348G>A, p.Val450Met (NM_001039885.3); short protein forms V450M.
Identifiers: ClinVar variation 3850536 (VCV003850536.1).
Genomic context (GRCh38, chr19:46,756,798, plus strand): 5'-GACACGTGGCTGGACCACCGGCAGGATGTGGAGTTTCCCGAGCACTTCCTGCAGCCGCTG[G>A]TGCCCCTGCCCTTTGCCGGCTTCGTGGCGCAGGCGCCTAACAACTACCGCCGCTTCCTGG-3'
Protein context (NP_077277.1, residues 440-460): EFPEHFLQPL[Val450Met]PLPFAGFVAQ

ClinVar aggregate classification (germline): Uncertain significance (1 of 4 stars; one submission).

Conditions:
Cardiovascular phenotype. Identifiers: MedGen CN230736.

gnomAD v4.1: 13 of 1,601,010 alleles (0.00081%); highest among the groups gnomAD compares: Non-Finnish European, 0.001%; no homozygotes.

Submission:

Ambry Genetics
Classification: Uncertain significance for Cardiovascular phenotype. Last evaluated: 2025-01-10. Review status: criteria provided, single submitter. Criteria: Ambry Variant Classification Scheme 2023. Collection method: clinical testing. Allele origin: germline.
Comment: The p.V450M variant (also known as c.1348G>A), located in coding exon 1 of the FKRP gene, results from a G to A substitution at nucleotide position 1348. The valine at codon 450 is replaced by methionine, an amino acid with highly similar properties. This amino acid position is conserved. In addition, the in silico prediction for this alteration is inconclusive. Based on the available evidence, the clinical significance of this variant remains unclear.